The following is an entry in ClinVar:

NM_000287.4(PEX6):c.1718C>T (p.Thr573Ile)

Gene: PEX6 (peroxisomal biogenesis factor 6; minus strand). Cytogenetic location: 6p21.1.
Variant type: single nucleotide variant.
Coding change: c.1718C>T on transcript NM_000287.4 (MANE Select); coding-DNA position 1718, C replaced by T.
Protein change: p.Thr573Ile; replaces threonine 573 with isoleucine.
Molecular consequence: missense variant. On other transcripts: non-coding transcript variant (1).
Genome position (GRCh38, 1-based): chr6:42,967,534, G>A on the plus strand (C>T on the coding strand, the complement: PEX6 is on the minus strand). VCF-style: chr6-42967534-G-A. GRCh37 (hg19) VCF-style: chr6-42935272-G-A.
Other names: p.Thr573Ile; c.1454C>T, p.Thr485Ile (NM_001316313.2); short protein forms T573I, T485I.
Identifiers: ClinVar variation 356795 (VCV000356795.59), dbSNP rs140769712, ClinGen allele CA3811234.

ClinVar aggregate classification (germline): Conflicting classifications of pathogenicity. Review status: criteria provided, conflicting classifications (1 of 4 stars). 12 submissions from 12 submitters: Uncertain significance (6); Likely benign (3). 3 of the submissions do not count toward it. Last evaluated 2026-02-01.

Conditions:
Heimler syndrome 2 (HMLR2). Also called: PEROXISOME BIOGENESIS DISORDER 4C. Identifiers: Orphanet 3220, MedGen C4225267, OMIM 616617, MONDO:0014709.
PEX6-related disorder. Also called: PEX6-related condition; PEX6-related disorders.
Inborn genetic diseases. Identifiers: MedGen C0950123, MeSH D030342.
Peroxisome biogenesis disorder 4A (Zellweger) (PBD4A). Also called: Zellweger syndrome spectrum (PEX6-related). Identifiers: Orphanet 912, MedGen C3553936, MONDO:0013930, OMIM 614862. Disease mechanism: loss of function.
Peroxisome biogenesis disorder. Identifiers: Orphanet 79189, MedGen C1832200, MONDO:0019234. Disease mechanism: loss of function.

Allele frequency attached by ClinVar (database versions not stated): 1000 Genomes Project 30x 0.00047; 1000 Genomes Project 0.00060; gnomAD 0.00115 and 0.00122; ESP Exome Variant Server 0.00123; gnomAD exomes 0.00125; TOPMed 0.00129; ExAC 0.00225.
gnomAD v4.1: 3,158 of 1,605,452 alleles (0.2%); highest among the groups gnomAD compares: Non-Finnish European, 0.26%; 8 homozygotes.

Submissions (12):

Labcorp Genetics (formerly Invitae), Labcorp
Classification: Likely benign for Peroxisome biogenesis disorder. Last evaluated: 2026-02-01. Review status: criteria provided, single submitter. Criteria: Invitae Variant Classification Sherloc (09022015). Collection method: clinical testing. Allele origin: germline.

ARUP Laboratories, Molecular Genetics and Genomics, ARUP Laboratories
Classification: Uncertain significance. Last evaluated: 2025-04-16. Review status: criteria provided, single submitter. Criteria: ARUP Molecular Germline Variant Investigation Process 2024. Collection method: clinical testing. Allele origin: germline.

Mayo Clinic Laboratories, Mayo Clinic
Classification: Uncertain significance. Last evaluated: 2025-03-24. Review status: criteria provided, single submitter. Criteria: ACMG Guidelines, 2015. Collection method: clinical testing. Allele origin: germline. Observed: 2 variant alleles.
Comment: BS1, PP3_moderate

Blueprint Genetics
Classification: Likely benign. Last evaluated: 2024-10-31. Review status: criteria provided, single submitter. Criteria: ACMG Guidelines, 2015. Collection method: clinical testing. Allele origin: germline.

CeGaT Center for Human Genetics Tuebingen
Classification: Uncertain significance. Last evaluated: 2024-01-01. Review status: criteria provided, single submitter. Criteria: CeGaT Center For Human Genetics Tuebingen Variant Classification Criteria Version 2. Collection method: clinical testing. Allele origin: germline. Affected: yes. Observed: 1 variant allele.

Ambry Genetics
Classification: Likely benign for Inborn genetic diseases. Last evaluated: 2021-10-16. Review status: criteria provided, single submitter. Criteria: Ambry Variant Classification Scheme 2023. Collection method: clinical testing. Allele origin: germline.

Institute of Human Genetics, University of Leipzig Medical Center
Classification: Uncertain significance for Heimler syndrome 2. Last evaluated: 2019-01-01. Review status: criteria provided, single submitter. Criteria: ACMG Guidelines, 2015. Collection method: clinical testing. Allele origin: unknown. Affected: yes.

Eurofins Ntd Llc (ga)
Classification: Uncertain significance. Last evaluated: 2018-05-11. Review status: criteria provided, single submitter. Criteria: EGL ClinVar v180209 classification definitions. Collection method: clinical testing. Allele origin: germline. Observed: 7 variant alleles, 7 heterozygotes.

Illumina Laboratory Services, Illumina
Classification: Uncertain significance for Peroxisome biogenesis disorder 4A (Zellweger). Last evaluated: 2018-01-12. Review status: criteria provided, single submitter. Criteria: ICSL Variant Classification Criteria 13 December 2019. Collection method: clinical testing. Allele origin: germline.

PreventionGenetics, part of Exact Sciences
Classification: Likely benign for PEX6-related condition. Last evaluated: 2022-02-03. Review status: no assertion criteria provided. Collection method: clinical testing. Allele origin: germline. Not counted in ClinVar's aggregate classification.
Comment: This variant is classified as likely benign based on ACMG/AMP sequence variant interpretation guidelines (Richards et al. 2015 PMID: 25741868, with internal and published modifications).

Clinical Genetics DNA and cytogenetics Diagnostics Lab, Erasmus MC, Erasmus Medical Center
Classification: Uncertain significance. Review status: no assertion criteria provided. Collection method: clinical testing. Allele origin: germline. Affected: yes. Study: VKGL Data-share Consensus. Not counted in ClinVar's aggregate classification.

Diagnostic Laboratory, Department of Genetics, University Medical Center Groningen
Classification: Uncertain significance. Review status: no assertion criteria provided. Collection method: clinical testing. Allele origin: germline. Affected: yes. Study: VKGL Data-share Consensus. Not counted in ClinVar's aggregate classification.

Literature cited by the submitters: PubMed 31374812 (cited by Mayo Clinic Laboratories, Mayo Clinic).